The following is an entry in ClinVar:

ClinVar aggregate classification (germline): Likely benign (1 of 4 stars; one submission).

gnomAD v4.1: 1 of 1,611,662 alleles (0.000062%); highest among the groups gnomAD compares: Non-Finnish European, 0.000085%; no homozygotes.

Submission:

CeGaT Center for Human Genetics Tuebingen
Classification: Likely benign. Last evaluated: 2026-05-01. Review status: criteria provided, single submitter. Criteria: CeGaT Center For Human Genetics Tuebingen Variant Classification Criteria Version 2. Collection method: clinical testing. Allele origin: germline. Affected: yes. Observed: 3 variant alleles.
Comment: ATP1A2: BP4, BP7

NM_000702.4(ATP1A2):c.57G>T (p.Gly19=)

Gene: ATP1A2 (ATPase Na+/K+ transporting subunit alpha 2; plus strand). Cytogenetic location: 1q23.2.
Variant type: single nucleotide variant.
Coding change: c.57G>T on transcript NM_000702.4 (MANE Select); coding-DNA position 57, G replaced by T.
Protein change: p.Gly19=; no amino-acid change (glycine 19 retained).
Molecular consequence: synonymous variant.
Genome position (GRCh38, 1-based): chr1:160,120,950, G>T. VCF-style: chr1-160120950-G-T. GRCh37 (hg19) VCF-style: chr1-160090740-G-T.
Identifiers: ClinVar variation 2639492 (VCV002639492.24), dbSNP rs779140540, ClinGen allele CA421350047.